The following is an entry in ClinVar:

ClinVar aggregate classification (germline): Uncertain significance (1 of 4 stars; one submission).

Submission:

Labcorp Genetics (formerly Invitae), Labcorp
Classification: Uncertain significance. Last evaluated: 2025-12-11. Review status: criteria provided, single submitter. Criteria: Invitae Variant Classification Sherloc (09022015). Collection method: clinical testing. Allele origin: germline.
Comment: This sequence change replaces arginine, which is basic and polar, with histidine, which is basic and polar, at codon 390 of the RIPK1 protein (p.Arg390His). The frequency data for this variant in the population databases is considered unreliable, as metrics indicate poor data quality at this position in the gnomAD database. This variant has not been reported in the literature in individuals affected with RIPK1-related conditions. An algorithm developed to predict the effect of missense changes on protein structure and function (PolyPhen-2) suggests that this variant is likely to be disruptive. In summary, the available evidence is currently insufficient to determine the role of this variant in disease. Therefore, it has been classified as a Variant of Uncertain Significance.

NM_001354930.2(RIPK1):c.1169G>A (p.Arg390His)

Gene: RIPK1 (receptor interacting serine/threonine kinase 1; plus strand). Cytogenetic location: 6p25.2.
Variant type: single nucleotide variant.
Coding change: c.1169G>A on transcript NM_001354930.2 (MANE Select); coding-DNA position 1169, G replaced by A.
Protein change: p.Arg390His; replaces arginine 390 with histidine.
Molecular consequence: missense variant.
Genome position (GRCh38, 1-based): chr6:3,105,644, G>A. VCF-style: chr6-3105644-G-A. GRCh37 (hg19) VCF-style: chr6-3105878-G-A.
Other names: c.680G>A, p.Arg227His (NM_001317061.3, NM_001354932.2, NM_001354933.2 and 1 more transcripts); c.1031G>A, p.Arg344His (NM_001354931.2); c.1169G>A, p.Arg390His (NM_003804.6); short protein forms R227H, R344H, R390H.
Identifiers: ClinVar variation 4692766 (VCV004692766.1).